The following is an entry in ClinVar:

NM_147127.5(EVC2):c.814C>T (p.Arg272Trp)

Gene: EVC2 (EvC ciliary complex subunit 2; minus strand). Cytogenetic location: 4p16.2.
Variant type: single nucleotide variant.
Coding change: c.814C>T on transcript NM_147127.5 (MANE Select); coding-DNA position 814, C replaced by T.
Protein change: p.Arg272Trp; replaces arginine 272 with tryptophan.
Molecular consequence: missense variant.
Genome position (GRCh38, 1-based): chr4:5,685,372, G>A on the plus strand (C>T on the coding strand, the complement: EVC2 is on the minus strand). VCF-style: chr4-5685372-G-A. GRCh37 (hg19) VCF-style: chr4-5687099-G-A.
Other names: c.574C>T, p.Arg192Trp (NM_001166136.2); short protein forms R272W, R192W.
Identifiers: ClinVar variation 349093 (VCV000349093.30), dbSNP rs114142742, ClinGen allele CA2835299.

ClinVar aggregate classification (germline): Benign/Likely benign. Review status: criteria provided, multiple submitters, no conflicts (2 of 4 stars). 6 submissions from 6 submitters: Benign (5); Likely benign (1). Last evaluated 2026-02-04.

Conditions:
Curry-Hall syndrome (WAD). Also called: WEYERS ACRODENTAL DYSOSTOSIS. Identifiers: Orphanet 952, MedGen C0457013, MONDO:0008673, OMIM 193530.
Ellis-van Creveld syndrome (EVC). Also called: MESOECTODERMAL DYSPLASIA; Chondroectodermal dysplasia. Identifiers: Orphanet 289, MedGen C0013903, MONDO:0009162, OMIM 225500.

Allele frequency attached by ClinVar (database versions not stated): gnomAD exomes 0.00122; ExAC 0.00150; gnomAD 0.00474 and 0.00521; TOPMed 0.00510; 1000 Genomes Project 0.00519; ESP Exome Variant Server 0.00546; 1000 Genomes Project 30x 0.00656.
gnomAD v4.1: 1,399 of 1,614,074 alleles (0.087%); highest among the groups gnomAD compares: African/African-American, 1.6%; 7 homozygotes.

Submissions (7):

Labcorp Genetics (formerly Invitae), Labcorp
Classification: Benign for Curry-Hall syndrome; Ellis-van Creveld syndrome. Last evaluated: 2026-02-04. Review status: criteria provided, single submitter. Criteria: Invitae Variant Classification Sherloc (09022015). Collection method: clinical testing. Allele origin: germline.

Blueprint Genetics
Classification: Likely benign. Last evaluated: 2024-10-15. Review status: criteria provided, single submitter. Criteria: ACMG Guidelines, 2015. Collection method: clinical testing. Allele origin: germline.

ARUP Laboratories, Molecular Genetics and Genomics, ARUP Laboratories
Classification: Benign. Last evaluated: 2024-08-13. Review status: criteria provided, single submitter. Criteria: ARUP Molecular Germline Variant Investigation Process 2024. Collection method: clinical testing. Allele origin: germline.

Illumina Laboratory Services, Illumina
Classification: Benign for Ellis-van Creveld syndrome. Last evaluated: 2018-01-13. Review status: criteria provided, single submitter. Criteria: ICSL Variant Classification Criteria 13 December 2019. Collection method: clinical testing. Allele origin: germline.
Comment: This variant was observed in the ICSL laboratory as part of a predisposition screen in an ostensibly healthy population. It had not been previously curated by ICSL or reported in the Human Gene Mutation Database (HGMD: prior to June 1st, 2018), and was therefore a candidate for classification through an automated scoring system. Utilizing variant allele frequency, disease prevalence and penetrance estimates, and inheritance mode, an automated score was calculated to assess if this variant is too frequent to cause the disease. Based on the score and internal cut-off values, a variant classified as benign is not then subjected to further curation. The score for this variant resulted in a classification of benign for this disease.

GeneDx
Classification: Benign. Last evaluated: 2018-01-08. Review status: criteria provided, single submitter. Criteria: GeneDx Variant Classification (06012015). Collection method: clinical testing. Allele origin: germline. Affected: yes.
Comment: This variant is considered likely benign or benign based on one or more of the following criteria: it is a conservative change, it occurs at a poorly conserved position in the protein, it is predicted to be benign by multiple in silico algorithms, and/or has population frequency not consistent with disease.

Breakthrough Genomics
Classification: Benign. Review status: criteria provided, single submitter. Criteria: ACMG Guidelines, 2015. Collection method: not provided. Allele origin: germline. Inheritance: Autosomal recessive inheritance. Affected: yes.

Dr. Peter K. Rogan Lab, Western University
No classification provided (evidence only). Condition: Thyroid cancer, nonmedullary, 1. Review status: no classification provided. Collection method: in vitro. Allele origin: not applicable. Functional consequence: retained intron. Not counted in ClinVar's aggregate classification.